The following is an entry in ClinVar:

NM_007294.4(BRCA1):c.4097-12T>C

Gene: BRCA1 (BRCA1 DNA repair associated; minus strand). Cytogenetic location: 17q21.31.
Variant type: single nucleotide variant.
Coding change: c.4097-12T>C on transcript NM_007294.4 (MANE Select); 12 bases into the intron before coding-DNA position 4097, T replaced by C.
Molecular consequence: intron variant.
Genome position (GRCh38, 1-based): chr17:43,091,044, A>G on the plus strand (T>C on the coding strand, the complement: BRCA1 is on the minus strand). VCF-style: chr17-43091044-A-G. GRCh37 (hg19) VCF-style: chr17-41243061-A-G.
Other names: c.3956-12T>C (NM_001407851.1, NM_001407735.1, NM_001407729.1 and 29 more transcripts); c.3884-12T>C (NM_001407899.1, NM_001407915.1, NM_001407916.1 and 9 more transcripts); c.461-12T>C (NM_001408507.1, NM_001408506.1); c.545-12T>C (NM_001408495.1); c.662-12T>C (NM_001408448.1, NM_001408445.1, NM_001408432.1 and 6 more transcripts); c.668-12T>C (NM_001408421.1, NM_001408431.1, NM_001408424.1); c.785-12T>C (NM_001407991.1, NM_001408407.1, NM_001408402.1 and 13 more transcripts); c.4094-12T>C (NM_001407631.1, NM_001407638.1, NM_001407645.1 and 22 more transcripts); and 41 more.
Identifiers: ClinVar variation 4071323 (VCV004071323.2).
Genomic context (GRCh38, chr17:43,091,044, plus strand): 5'-CAGTCTTCAGAGACGCTTGTTTCACTCTCACACCCAGATGCTGCTTCACCTTAAATAACA[A>G]AAACAGAGGTTCAGATGTAAAAGCAGACTATAAACGCTGCAACTTGCTGTGTCTTTTTCT-3'

ClinVar aggregate classification (germline): Benign/Likely benign. Review status: criteria provided, multiple submitters, no conflicts (2 of 4 stars). 2 submissions from 2 submitters: Benign (1); Likely benign (1). Last evaluated 2026-01-04.

Conditions:
Hereditary breast ovarian cancer syndrome. Also called: Hereditary breast and ovarian cancer syndrome (HBOC); Breast and ovarian cancer; Hereditary breast and/or ovarian cancer syndrome; BRCA1- and BRCA2-Associated Hereditary Breast and Ovarian Cancer; Hereditary breast and ovarian cancer syndrome; Hereditary breast and ovarian cancer. Identifiers: Orphanet 145, MedGen C0677776, MeSH D061325, MONDO:0003582. Disease mechanism: loss of function.
Breast-ovarian cancer, familial, susceptibility to, 1 (BROVCA1). Also called: BRCA1 Hereditary Breast and Ovarian Cancer; OVARIAN CANCER, SUSCEPTIBILITY TO. Identifiers: Orphanet 145, MedGen C2676676, MONDO:0011450, OMIM 604370. Disease mechanism: loss of function.

Submissions (2):

Labcorp Genetics (formerly Invitae), Labcorp
Classification: Likely benign for Hereditary breast ovarian cancer syndrome. Last evaluated: 2026-01-04. Review status: criteria provided, single submitter. Criteria: Invitae Variant Classification Sherloc (09022015). Collection method: clinical testing. Allele origin: germline.

Myriad Genetics, Inc.
Classification: Benign for Breast-ovarian cancer, familial, susceptibility to, 1. Last evaluated: 2025-06-23. Review status: criteria provided, single submitter. Criteria: Myriad Autosomal Dominant, Autosomal Recessive and X-Linked Classification Criteria (2023). Collection method: clinical testing. Allele origin: unknown.
Comment: This variant is considered benign. This variant is intronic and is not expected to impact mRNA splicing. Homozygosity has been confirmed in one or more individuals. As homozygosity for pathogenic variants in this gene is generally assumed to result in embryonic lethality, this variant is unlikely to be pathogenic.